The following is an entry in ClinVar:

NM_005618.4(DLL1):c.497G>T (p.Ser166Ile)

Gene: DLL1 (delta like canonical Notch ligand 1; minus strand). Cytogenetic location: 6q27.
Variant type: single nucleotide variant.
Coding change: c.497G>T on transcript NM_005618.4 (MANE Select); coding-DNA position 497, G replaced by T.
Protein change: p.Ser166Ile; replaces serine 166 with isoleucine.
Molecular consequence: missense variant.
Genome position (GRCh38, 1-based): chr6:170,288,412, C>A on the plus strand (G>T on the coding strand, the complement: DLL1 is on the minus strand). VCF-style: chr6-170288412-C-A. GRCh37 (hg19) VCF-style: chr6-170597500-C-A.
Other names: short protein forms S166I.
Identifiers: ClinVar variation 2806101 (VCV002806101.3), dbSNP rs1783755026, ClinGen allele CA366509441.

ClinVar aggregate classification (germline): Uncertain significance (1 of 4 stars; one submission).

Allele frequency attached by ClinVar (database versions not stated): gnomAD 0.00001; TOPMed 0.00002.

Submission:

Labcorp Genetics (formerly Invitae), Labcorp
Classification: Uncertain significance. Last evaluated: 2023-07-03. Review status: criteria provided, single submitter. Criteria: Invitae Variant Classification Sherloc (09022015). Collection method: clinical testing. Allele origin: germline.
Comment: This variant has not been reported in the literature in individuals affected with DLL1-related conditions. This sequence change replaces serine, which is neutral and polar, with isoleucine, which is neutral and non-polar, at codon 166 of the DLL1 protein (p.Ser166Ile). This variant is not present in population databases (gnomAD no frequency). An algorithm developed to predict the effect of missense changes on protein structure and function (PolyPhen-2) suggests that this variant is likely to be tolerated. In summary, the available evidence is currently insufficient to determine the role of this variant in disease. Therefore, it has been classified as a Variant of Uncertain Significance.